The following is an entry in ClinVar:

ClinVar aggregate classification (germline): Uncertain significance (1 of 4 stars; one submission).

Conditions:
Charcot-Marie-Tooth disease axonal type 2O. Also called: CHARCOT-MARIE-TOOTH NEUROPATHY, AXONAL, TYPE 2O; CHARCOT-MARIE-TOOTH DISEASE, AXONAL, AUTOSOMAL DOMINANT, TYPE 2O; Charcot-Marie-Tooth Neuropathy Type 2O; Charcot-Marie-Tooth disease, axonal, type 20. Identifiers: Orphanet 284232, MedGen C3280220, MONDO:0013644, OMIM 614228.

Allele frequency attached by ClinVar (database versions not stated): gnomAD exomes below 0.00001.
gnomAD v4.1: 1 of 1,613,688 alleles (0.000062%); highest among the groups gnomAD compares: Non-Finnish European, 0.000085%; no homozygotes.

Submission:

Labcorp Genetics (formerly Invitae), Labcorp
Classification: Uncertain significance for Charcot-Marie-Tooth disease axonal type 2O. Last evaluated: 2024-12-10. Review status: criteria provided, single submitter. Criteria: Invitae Variant Classification Sherloc (09022015). Collection method: clinical testing. Allele origin: germline.
Comment: This sequence change replaces proline, which is neutral and non-polar, with leucine, which is neutral and non-polar, at codon 3587 of the DYNC1H1 protein (p.Pro3587Leu). This variant is not present in population databases (gnomAD no frequency). This variant has not been reported in the literature in individuals affected with DYNC1H1-related conditions. ClinVar contains an entry for this variant (Variation ID: 2917088). Invitae Evidence Modeling of protein sequence and biophysical properties (such as structural, functional, and spatial information, amino acid conservation, physicochemical variation, residue mobility, and thermodynamic stability) indicates that this missense variant is expected to disrupt DYNC1H1 protein function with a positive predictive value of 95%. In summary, the available evidence is currently insufficient to determine the role of this variant in disease. Therefore, it has been classified as a Variant of Uncertain Significance.

NM_001376.5(DYNC1H1):c.10760C>T (p.Pro3587Leu)

Gene: DYNC1H1 (dynein cytoplasmic 1 heavy chain 1; plus strand). Cytogenetic location: 14q32.31.
Variant type: single nucleotide variant.
Coding change: c.10760C>T on transcript NM_001376.5 (MANE Select); coding-DNA position 10760, C replaced by T.
Protein change: p.Pro3587Leu; replaces proline 3587 with leucine.
Molecular consequence: missense variant.
Genome position (GRCh38, 1-based): chr14:102,036,494, C>T. VCF-style: chr14-102036494-C-T. GRCh37 (hg19) VCF-style: chr14-102502831-C-T.
Other names: short protein forms P3587L.
Identifiers: ClinVar variation 2917088 (VCV002917088.3), dbSNP rs2152593621, ClinGen allele CA391029504.